The following is an entry in ClinVar:

ClinVar aggregate classification (germline): Pathogenic. Review status: criteria provided, multiple submitters, no conflicts (2 of 4 stars). 3 submissions from 3 submitters: Pathogenic (2). 1 of the submissions does not count toward it. Last evaluated 2025-06-23.

Conditions:
Oculocutaneous albinism type 4 (OCA4). Also called: Albinism, oculocutaneous, type IV. Identifiers: Orphanet 79435, MedGen C1847836, MONDO:0011683, OMIM 606574.

Allele frequency attached by ClinVar (database versions not stated): gnomAD exomes below 0.00001.
gnomAD v4.1: 3 of 1,613,868 alleles (0.00019%); highest among the groups gnomAD compares: Middle Eastern, 0.016%; no homozygotes.

Submissions (3):

Victorian Clinical Genetics Services, Murdoch Childrens Research Institute
Classification: Pathogenic for Oculocutaneous albinism type 4. Last evaluated: 2025-06-23. Review status: criteria provided, single submitter. Criteria: ACMG Guidelines, 2015. Collection method: clinical testing. Allele origin: germline. Affected: yes.
Comment: This variant is classified as Pathogenic. Evidence in support of pathogenic classification: Canonical splice site variant without proven consequence on splicing (no functional evidence available); Variant is present in gnomAD <0.01 for a recessive condition (v4: 3 heterozygote(s), 0 homozygote(s)); This variant has strong previous evidence of pathogenicity in unrelated individuals. This variant has been classified pathogenic by clinical laboratories in ClinVar, and has been reported homozygous and compound heterozygous in four unrelated families with oculocutaneous albinism, retinitis pigmentosa, or hypopigmentation (PMIDs: 38465142, 19060277, 11574907); Abnormal splicing is predicted by in silico tool and affected nucleotide is highly conserved. Additional information: This variant is homozygous; This gene is associated with autosomal recessive disease; Alternative nucleotide change(s) at the same canonical splice site are present in gnomAD (v4: 1 heterozygote(s), 0 homozygote(s)); No published segregation evidence has been identified for this variant; No published functional evidence has been identified for this variant; Loss of function is a known mechanism of disease in this gene and is associated with type IV oculocutaneous albinism (MIM#606574); Inheritance information for this variant is not currently available in this individual.

CeGaT Center for Human Genetics Tuebingen
Classification: Pathogenic. Last evaluated: 2018-02-01. Review status: criteria provided, single submitter. Criteria: CeGaT Center For Human Genetics Tuebingen Variant Classification Criteria Version 2. Collection method: clinical testing. Allele origin: germline. Affected: yes. Observed: 1 variant allele.

Clinical Genetics Laboratory, University Hospital Schleswig-Holstein
Classification: Pathogenic for Oculocutaneous albinism type 4. Last evaluated: 2022-09-01. Review status: no assertion criteria provided. Collection method: clinical testing. Allele origin: germline. Affected: yes. Not counted in ClinVar's aggregate classification.

Literature cited by the submitters: PubMed 19060277 (cited by Victorian Clinical Genetics Services, Murdoch Childrens Research Institute); PubMed 38465142 (cited by Victorian Clinical Genetics Services, Murdoch Childrens Research Institute); PubMed 11574907 (cited by Victorian Clinical Genetics Services, Murdoch Childrens Research Institute).

NM_016180.5(SLC45A2):c.386-1G>A

Gene: SLC45A2 (solute carrier family 45 member 2; minus strand). Cytogenetic location: 5p13.2.
Variant type: single nucleotide variant.
Coding change: c.386-1G>A on transcript NM_016180.5 (MANE Select); the canonical splice acceptor site of the intron before coding-DNA position 386, G replaced by A.
Molecular consequence: splice acceptor variant.
Genome position (GRCh38, 1-based): chr5:33,982,413, C>T on the plus strand (G>A on the coding strand, the complement: SLC45A2 is on the minus strand). VCF-style: chr5-33982413-C-T. GRCh37 (hg19) VCF-style: chr5-33982518-C-T.
Other names: c.386-1G>A (NM_001012509.4, NM_001297417.4).
Identifiers: ClinVar variation 871189 (VCV000871189.44), dbSNP rs1753106609, ClinGen allele CA359396892.
Genomic context (GRCh38, chr5:33,982,413, plus strand): 5'-CACCTATCATGGTGACACTTATGGCCCAAACCAGCTTCCTCCTTGGGTTAGCAATCAAAG[C>T]TAAAAGAAAAATAAACATTGGTCTCCTAAATCCTGTTTTAGAATCATCCGCGTTTTGTAA-3'